The following is an entry in ClinVar:

ClinVar aggregate classification (germline): Likely pathogenic. Review status: reviewed by expert panel (3 of 4 stars). 7 submissions from 7 submitters: Likely pathogenic (1). 6 of the submissions do not count toward it. Last evaluated 2023-02-18.

Conditions:
Hereditary cancer-predisposing syndrome. Also called: Hereditary Cancer Syndrome; Hereditary neoplastic syndrome; Neoplastic Syndromes, Hereditary; Tumor predisposition. Identifiers: Orphanet 140162, MedGen C0027672, MeSH D009386, MONDO:0015356.
Familial adenomatous polyposis 1 (FAP1). Also called: FAMILIAL ADENOMATOUS POLYPOSIS 1, ATTENUATED; POLYPOSIS, ADENOMATOUS INTESTINAL. Identifiers: MedGen C2713442, MONDO:0021056, OMIM 175100. Disease mechanism: loss of function.

Submissions (7):

ClinGen InSiGHT Hereditary Colorectal Cancer/Polyposis Variant Curation Expert Panel
Classification: Likely pathogenic for Familial adenomatous polyposis 1. Last evaluated: 2023-02-18. Review status: reviewed by expert panel. Criteria: ClinGen InSiGHT HCCP VCEP ACMG Specifications APC V1. Collection method: curation. Allele origin: germline. Inheritance: Autosomal dominant inheritance.
Comment: The c.645+1G>A variant in APC occurs within the canonical splice donor site +1 of intron 6. It is predicted to result in an inframe skipping of exon 6 (PVS1_Moderate). The results from more than 2 in silico splicing predictors (SpliceAI, MaxEntScan, VarSeak) indicate that this variant may affect splicing by disrupting the donor splice site of intron 6 (PP3 supplanted by PVS1_Moderate). RT-PCR of patient blood demonstrated that the variant impacts splicing by removing exon 6 from the transcript, resulting in an NMD-escaping in-frame event with uncertain impact (PMID: 22987206, PS3 supplanted by PVS1_Moderate). This variant has been reported in 9 families with FAP with a total phenotype score of 6 points (PS4; Ambry, Invitae, GeneDX, Barcelona, Edinburgh and Leiden internal data; PMID 22987206; PMID 17411426; PMID 20685668; PMID 8381580). This variant is absent from gnomAD v2.1.1 (PM2_supporting). In summary, this variant meets the criteria to be classified as Likely Pathogenic for FAP based on the ACMG/AMP criteria applied, as specified by the ClinGen InSiGHT Hereditary Colorectal Cancer/Polyposis Variant Curation Expert Panel: PVS1_Moderate, PS4, and PM2_Supporting; (VCEP specifications version 1; date of approval: 12/12/2022).

Ambry Genetics
Classification: Pathogenic for Hereditary cancer-predisposing syndrome. Last evaluated: 2025-05-06. Review status: criteria provided, single submitter. Criteria: Ambry Variant Classification Scheme 2023. Collection method: clinical testing. Allele origin: germline. Not counted in ClinVar's aggregate classification.
Comment: The c.645+1G>A intronic pathogenic mutation results from a G to A substitution one nucleotide after coding exon 5 of the APC gene. Alterations that disrupt the canonical splice site are expected to result in aberrant splicing. In silico splice site analysis predicts that this alteration will weaken the native splice donor site and may result in the creation or strengthening of a novel splice donor site; however, direct evidence is insufficient at this time (Ambry internal data). A resulting transcript is predicted to be in-frame and is not expected to trigger nonsense-mediated mRNA decay; although, direct evidence is unavailable. This alteration was identified in 1/934 French patients with familial adenomatous polyposis (FAP) (Lagarde A et al. J. Med. Genet., 2010 Oct;47:721-2), and in a cohort of 160 unrelated patients with FAP (Olschwang S et al. Am. J. Hum. Genet., 1993 Feb;52:273-9). This variant is considered to be rare based on population cohorts in the Genome Aggregation Database (gnomAD). This nucleotide position is highly conserved in available vertebrate species. Based on the supporting evidence, this variant is interpreted as a disease-causing mutation.

Labcorp Genetics (formerly Invitae), Labcorp
Classification: Pathogenic for Familial adenomatous polyposis 1. Last evaluated: 2025-03-24. Review status: criteria provided, single submitter. Criteria: Invitae Variant Classification Sherloc (09022015). Collection method: clinical testing. Allele origin: germline. Not counted in ClinVar's aggregate classification.
Comment: This sequence change affects a donor splice site in intron 6 of the APC gene. It is expected to disrupt RNA splicing. Variants that disrupt the donor or acceptor splice site typically lead to a loss of protein function (PMID: 16199547), and loss-of-function variants in APC are known to be pathogenic (PMID: 17963004, 20685668). This variant is not present in population databases (gnomAD no frequency). Disruption of this splice site has been observed in individuals with familial adenomatous polyposis (PMID: 8381580, 17411426, 20685668, 22987206). ClinVar contains an entry for this variant (Variation ID: 218000). Algorithms developed to predict the effect of sequence changes on RNA splicing suggest that this variant may disrupt the consensus splice site. For these reasons, this variant has been classified as Pathogenic.

Myriad Genetics, Inc.
Classification: Likely pathogenic for Familial adenomatous polyposis 1. Last evaluated: 2023-04-27. Review status: criteria provided, single submitter. Criteria: Myriad Autosomal Dominant, Autosomal Recessive and X-Linked Classification Criteria (2023). Collection method: clinical testing. Allele origin: unknown. Not counted in ClinVar's aggregate classification.
Comment: This variant is considered likely pathogenic. This variant occurs within a consensus splice junction and is predicted to result in abnormal mRNA splicing of either an out-of-frame exon or an in-frame exon necessary for protein stability and/or normal function.

GeneDx
Classification: Likely pathogenic. Last evaluated: 2017-04-27. Review status: criteria provided, single submitter. Criteria: GeneDx Variant Classification (06012015). Collection method: clinical testing. Allele origin: germline. Affected: yes. Not counted in ClinVar's aggregate classification.
Comment: This variant is denoted APC c.645+1G>A or IVS6+1G>A and consists of a G>A nucleotide substitution at the +1 position of intron 6 of the APC gene. This variant destroys a canonical splice donor site and is predicted to cause abnormal gene splicing, leading to either an abnormal message that is subject to nonsense-mediated mRNA decay or to an abnormal protein product. This variant has been reported in individuals with a history of familial adenomatous polyposis (Olschwang 1993, Lagarde 2010). Based on the currently available information, we consider APC c.645+1G>A to be a likely pathogenic variant.

Department of Pathology and Laboratory Medicine, Sinai Health System
Classification: Uncertain significance. Review status: no assertion criteria provided. Collection method: clinical testing. Allele origin: unknown. Affected: yes. Observed: 1 variant allele. Study: The Canadian Open Genetics Repository (COGR). Not counted in ClinVar's aggregate classification.

Mayo Clinic Laboratories, Mayo Clinic
Classification: Pathogenic. Review status: no assertion criteria provided. Collection method: research. Allele origin: unknown. Observed: 2 variant alleles. Not counted in ClinVar's aggregate classification.

Literature cited by the submitters: PubMed 20685668 (cited by Ambry Genetics and Labcorp Genetics (formerly Invitae), Labcorp); PubMed 8381580 (cited by Ambry Genetics and Labcorp Genetics (formerly Invitae), Labcorp); PubMed 16199547 (cited by Labcorp Genetics (formerly Invitae), Labcorp); PubMed 17963004 (cited by Labcorp Genetics (formerly Invitae), Labcorp); PubMed 17411426 (cited by Labcorp Genetics (formerly Invitae), Labcorp); PubMed 22987206 (cited by Labcorp Genetics (formerly Invitae), Labcorp).

NM_000038.6(APC):c.645+1G>A

Gene: APC (APC regulator of Wnt signaling pathway; plus strand). Cytogenetic location: 5q22.2.
Variant type: single nucleotide variant.
Coding change: c.645+1G>A on transcript NM_000038.6 (MANE Select); the canonical splice donor site of the intron after coding-DNA position 645, G replaced by A.
Molecular consequence: splice donor variant.
Genome position (GRCh38, 1-based): chr5:112,780,904, G>A. VCF-style: chr5-112780904-G-A. GRCh37 (hg19) VCF-style: chr5-112116601-G-A.
Other names: c.-391+1G>A (NM_001407470.1, NM_001407472.1, NM_001354906.2 and 1 more transcripts); c.645+1G>A (NM_001407447.1, NM_001354895.2, NM_001407456.1 and 16 more transcripts); c.675+1G>A (NM_001407446.1, NM_001354897.2, NM_001354902.2 and 1 more transcripts); c.468+1G>A (NM_001407453.1, NM_001354900.2, NM_001354901.2 and 1 more transcripts); c.570+1G>A (NM_001407451.1, NM_001354898.2, NM_001354904.2).
Identifiers: ClinVar variation 218000 (VCV000218000.25), dbSNP rs863225370, ClinGen allele CA279701.